The following is an entry in ClinVar:

ClinVar aggregate classification (germline): Uncertain significance (1 of 4 stars; one submission).

Submission:

Women's Health and Genetics/Laboratory Corporation of America, LabCorp
Classification: Uncertain significance. Last evaluated: 2025-01-07. Review status: criteria provided, single submitter. Criteria: LabCorp Variant Classification Summary - May 2015. Collection method: clinical testing. Allele origin: germline.
Comment: Variant summary: The variant involves the duplication of exons 15-17 in the STIL gene. A presumed nomenclature of c.(2615+1_2616-1)_(*998_?)dup has been designated for the purposes of this classification. The exact breakpoint at the 3' end of this variant is unknown, therefore this duplication may extend downstream of the annotated region of the gene. As it duplicates the termination codon, its effect on the encoded protein is unknown. The variant allele was found at a frequency of 0.00088 in 21694 control chromosomes in the gnomAD database, including 1 homozygote. This frequency is not significantly higher than estimated for a pathogenic variant in STIL causing Microcephaly 7, Primary, Autosomal Recessive, allowing no conclusion about variant significance. To our knowledge, no occurrence of c.(2615+1_2616-1)_(*998_?)dup in individuals affected with Microcephaly 7, Primary, Autosomal Recessive and no experimental evidence demonstrating its impact on protein function have been reported. ClinVar contains an entry for this variant (Variation ID: 2424607). Based on the evidence outlined above, the variant was classified as uncertain significance.

NC_000001.10:g.(?_47715810)_(47728789_47735306)dup

Gene: STIL (STIL centriolar assembly protein; minus strand). Cytogenetic location: 1p33.
Variant type: Duplication.
Identifiers: ClinVar variation 3769200 (VCV003769200.2).